The following is an entry in ClinVar:

ClinVar aggregate classification (germline): Uncertain significance (1 of 4 stars; one submission).

Conditions:
Dilated cardiomyopathy 1S (CMD1S). Identifiers: Orphanet 154, Orphanet 54260, MedGen C1834481, MONDO:0013262, OMIM 613426.

Submission:

Victorian Clinical Genetics Services, Murdoch Childrens Research Institute
Classification: Uncertain significance for Dilated cardiomyopathy 1S. Last evaluated: 2023-07-16. Review status: criteria provided, single submitter. Criteria: ACMG Guidelines, 2015. Collection method: clinical testing. Allele origin: germline. Inheritance: Autosomal dominant inheritance. Affected: yes.
Comment: Based on the classification scheme VCGS_Germline_v1.3.4, this variant is classified as VUS-3B. Following criteria are met: 0105 - The mechanism of disease for this gene is not clearly established; however, missense variants have been proposed to act in a dominant negative manner (PMID: 24714796). (I) 0108 - This gene is associated with both recessive and dominant disease. Pathogenic variants in this gene are usually heterozygous; however, a recessive inheritance pattern has been observed in severe cases (OMIM). (I) 0112 - The condition associated with this gene has incomplete penetrance (PMID: 29300372). (I) 0200 - Variant is predicted to result in a missense amino acid change from aspartic acid to glutamic acid. (I) 0251 - This variant is heterozygous. (I) 0301 - Variant is absent from gnomAD (both v2 and v3). (SP) 0309 - An alternative amino acid change at the same position has been observed in gnomAD (v2 & v3: 8 heterozygotes, 0 homozygotes). (I) 0502 - Missense variant with conflicting in silico predictions and uninformative conservation. (I) 0602 - Variant is located in a hotspot region or cluster of pathogenic variants. This variant is found within the head region, which is enriched with pathogenic missense variants (PMID: 29300372). (SP) 0710 - Another missense variant comparable to the one identified in this case has inconclusive previous evidence for pathogenicity. p.(Asp469Asn) has been frequently reported as a VUS, including in individuals with HCM (ClinVar, cardiodb) and in a cohort of HCM and DCM subjects (PMID: 33764162). It has also been reported as likely pathogenic twice, however no further information was provided (ClinVar). p.(Asp469Tyr) has been reported in individuals with DCM (cardiodb), however it is a major amino acid change and therefore not regarded as a comparable variant. (I) 0807 - This variant has no previous evidence of pathogenicity. (I) 0905 - No published segregation evidence has been identified for this variant. (I) 1007 - No published functional evidence has been identified for this variant. (I) 1208 - Inheritance information for this variant is not currently available in this individual. (I) Legend: (SP) - Supporting pathogenic, (I) - Information, (SB) - Supporting benign

Literature cited by the submitters: PubMed 24714796; PubMed 29300372; PubMed 33764162.

NM_000257.4(MYH7):c.1407T>G (p.Asp469Glu)

Gene: MYH7 (myosin heavy chain 7; minus strand). Cytogenetic location: 14q11.2.
Variant type: single nucleotide variant.
Coding change: c.1407T>G on transcript NM_000257.4 (MANE Select); coding-DNA position 1407, T replaced by G.
Protein change: p.Asp469Glu; replaces aspartic acid 469 with glutamic acid.
Molecular consequence: missense variant.
Genome position (GRCh38, 1-based): chr14:23,428,955, A>C on the plus strand (T>G on the coding strand, the complement: MYH7 is on the minus strand). VCF-style: chr14-23428955-A-C. GRCh37 (hg19) VCF-style: chr14-23898164-A-C.
Other names: c.1407T>G, p.Asp469Glu (NM_001407004.1); short protein forms D469E.
Identifiers: ClinVar variation 3376763 (VCV003376763.1).
Genomic context (GRCh38, chr14:23,428,955, plus strand): 5'-GCTGTTGAATGTGGGAGCGAGTGAGTGATTGTTCTCCCACTCCCAGGGGTCCCAACTCAC[A>C]TCGAAGATCTCGAAGCCAGCGATGTCCAGGACTCCTATGAAGTACTGGCGTGGCTGCTTG-3'
Protein context (NP_000248.2, residues 459-479): VLDIAGFEIF[Asp469Glu]FNSFEQLCIN